The following is an entry in ClinVar:

ClinVar aggregate classification (germline): Uncertain significance. Review status: criteria provided, multiple submitters, no conflicts (2 of 4 stars). 2 submissions from 2 submitters: Uncertain significance (2). Last evaluated 2025-04-17.

Conditions:
Inborn genetic diseases. Identifiers: MedGen C0950123, MeSH D030342.

gnomAD v4.1: 3 of 1,590,076 alleles (0.00019%); highest among the groups gnomAD compares: African/African-American, 0.0013%; no homozygotes.

Submissions (2):

Labcorp Genetics (formerly Invitae), Labcorp
Classification: Uncertain significance. Last evaluated: 2025-04-17. Review status: criteria provided, single submitter. Criteria: Invitae Variant Classification Sherloc (09022015). Collection method: clinical testing. Allele origin: germline.
Comment: This sequence change replaces alanine, which is neutral and non-polar, with threonine, which is neutral and polar, at codon 662 of the CSF2RB protein (p.Ala662Thr). This variant is present in population databases (no rsID available, gnomAD 0.001%). This variant has not been reported in the literature in individuals affected with CSF2RB-related conditions. Invitae Evidence Modeling of protein sequence and biophysical properties (such as structural, functional, and spatial information, amino acid conservation, physicochemical variation, residue mobility, and thermodynamic stability) indicates that this missense variant is not expected to disrupt CSF2RB protein function with a negative predictive value of 80%. In summary, the available evidence is currently insufficient to determine the role of this variant in disease. Therefore, it has been classified as a Variant of Uncertain Significance.

Ambry Genetics
Classification: Uncertain significance for Inborn genetic diseases. Last evaluated: 2025-02-04. Review status: criteria provided, single submitter. Criteria: Ambry Variant Classification Scheme 2023. Collection method: clinical testing. Allele origin: germline.

NM_000395.3(CSF2RB):c.1984G>A (p.Ala662Thr)

Gene: CSF2RB (colony stimulating factor 2 receptor subunit beta; plus strand). Cytogenetic location: 22q12.3.
Variant type: single nucleotide variant.
Coding change: c.1984G>A on transcript NM_000395.3 (MANE Select); coding-DNA position 1984, G replaced by A.
Protein change: p.Ala662Thr; replaces alanine 662 with threonine.
Molecular consequence: missense variant.
Genome position (GRCh38, 1-based): chr22:36,937,792, G>A. VCF-style: chr22-36937792-G-A. GRCh37 (hg19) VCF-style: chr22-37333834-G-A.
Other names: c.2002G>A, p.Ala668Thr (NM_001410827.1); short protein forms A662T, A668T.
Identifiers: ClinVar variation 3836693 (VCV003836693.2).